The following is an entry in ClinVar:

ClinVar aggregate classification (germline): Likely pathogenic (1 of 4 stars; one submission).

Submission:

Dasa
Classification: Likely pathogenic. Last evaluated: 2025-12-20. Review status: criteria provided, single submitter. Criteria: DASA Assertion Criteria. Collection method: clinical testing. Allele origin: germline.
Comment: NM_006147.4(IRF6):c.41_47del (p.Leu14Profs*47) is a frameshift variant in IRF6 predicted to alter the reading frame and introduce a premature termination codon and is predicted to result in an absent or altered protein product. Loss of function is an established disease mechanism for IRF6. Also, this variant is absent from population databases. Based on the currently available evidence, this variant is classified as likely pathogenic.

NM_006147.4(IRF6):c.41_47del (p.Leu14fs)

Gene: IRF6 (interferon regulatory factor 6; minus strand). Cytogenetic location: 1q32.2.
Variant type: Deletion.
Coding change: c.41_47del on transcript NM_006147.4 (MANE Select); coding-DNA positions 41 to 47, 7 bases deleted (TGGTGGC; older notation c.41_47delTGGTGGC).
Protein change: p.Leu14fs; shifts the reading frame from leucine 14.
Molecular consequence: frameshift variant. On other transcripts: intron variant (1).
Genome position (GRCh38, 1-based): chr1:209,801,367-209,801,373, GCCACCA deleted on the plus strand (TGGTGGC on the coding strand, the reverse complement: IRF6 is on the minus strand); deleting any 7 consecutive bases within chr1:209,801,367-209,801,377 gives the same sequence; the c. name uses the placement nearest the transcript's 3' end. VCF-style (leftmost placement, unchanged base first): chr1-209801366-GGCCACCA-G. GRCh37 (hg19) VCF-style: chr1-209974711-GGCCACCA-G.
Other names: c.-112+4574_-112+4580del (NM_001206696.2); short protein forms L14fs.
Identifiers: ClinVar variation 4880770 (VCV004880770.2).
Genomic context (GRCh38, chr1:209,801,366, plus strand): 5'-GAAGCGTTTAGAGTCCCTGTGTAGCCAGATGAGCCCAGGGTAGAGGCCACTATCCACCTG[GGCCACCA>G]GCCAGGGCTTTAGCCGGACTCTGCGGGGGTGGAGGGCCATGATCTGGGGGGGTCAGAGGG-3'